The following is an entry in ClinVar:

ClinVar aggregate classification (germline): Conflicting classifications of pathogenicity. Review status: criteria provided, conflicting classifications (1 of 4 stars). 4 submissions from 4 submitters: Uncertain significance (2); Benign (1); Likely benign (1). Last evaluated 2025-04-22.

Conditions:
Hereditary cancer-predisposing syndrome. Also called: Tumor predisposition; Hereditary Cancer Syndrome; Hereditary neoplastic syndrome; Neoplastic Syndromes, Hereditary. Identifiers: Orphanet 140162, MedGen C0027672, MeSH D009386, MONDO:0015356.
Breast-ovarian cancer, familial, susceptibility to, 1 (BROVCA1). Also called: BRCA1 Hereditary Breast and Ovarian Cancer; OVARIAN CANCER, SUSCEPTIBILITY TO. Identifiers: Orphanet 145, MedGen C2676676, MONDO:0011450, OMIM 604370. Disease mechanism: loss of function.

Submissions (5):

Myriad Genetics, Inc.
Classification: Benign for Breast-ovarian cancer, familial, susceptibility to, 1. Last evaluated: 2025-04-22. Review status: criteria provided, single submitter. Criteria: Myriad Autosomal Dominant, Autosomal Recessive and X-Linked Classification Criteria (2023). Collection method: clinical testing. Allele origin: unknown.
Comment: This variant is considered benign. This variant been observed in trans with a known pathogenic variant in one or more individuals. Compound heterozygosity for pathogenic variants in this gene is generally assumed to result in embryonic lethality. This variant is strongly associated with less severe personal and family histories of cancer, typical for individuals without pathogenic variants in this gene [PMID: 25085752].

Lupski Lab, Baylor-Hopkins CMG, Baylor College of Medicine
Classification: Likely benign for Breast-ovarian cancer, familial, susceptibility to, 1. Last evaluated: 2024-04-12. Review status: criteria provided, single submitter. Criteria: Dawood et al. (medRxiv. 2024). Collection method: curation. Allele origin: germline.
Comment: Each variant was annotated with functional scores from MAVE data which was translated into functional evidence codes. All other evidence codes and combining criteria were adhered to as closely as possible based on the ClinGen VCEP (Variant Curation Expert Panel) gene-specific recommendations. See Supplemental Figure 34 of final paper (Supp Fig. 28 in preprint: doi:10.1101/2024.04.11.24305690) for a table to see which lines of evidence we did not have data for. The ClinGen VCEPs are highly regarded as the gold-standard for gene-specific variant curation and are developed after extensive evaluation of the evidence by clinical and scientific experts for the particular gene to classify genomic variants on a spectrum from pathogenic to benign using the 2015 ACMG/AMP Variant Interpretation Guidelines as a backbone (PMID: 25741868). Reclassification of these VUS variants from gnomAD or All of Us focused only on variants originally prescribed as VUS in ClinVar. To ensure reproducibility, transparency, and increased throughput, all the procedures for annotating variants and assigning evidence codes were codified using Python. All code has been made freely available and is linked in the Code Availability section and all reclassified variants with evidence codes used can be found in Tables S18-19 (preprint: doi:10.1101/2024.04.11.24305690). For the MAVE data, the clinical curation and clinical strength assignment as per the ClinGen recommendations in Brnich et al. (2020) (PMID: 31892348) for or against pathogenicity or benignity of each of these MAVE datasets utilized in this study were previously published in Fayer et al. (2021) (PMID: 34793697).In brief, for BRCA1 variants, if a variant was categorized as FUNC (functional), it was assigned BS3 evidence and no PS3 evidence, whereas if it was categorized as LOF (loss of function), the variant was assigned PS3 evidence and no BS3 evidence. Variants categorized as INT (intermediate) were left unannotated. For the BRCA1 combining criteria, greater than or equal to 1 criteria of strong benign evidence was enough to reclassify the VUS as Likely Benign. This variant GRCh38:17:43104936:C>A was assigned evidence codes ['BS3'] and an overall classification of Likely benign

Ambry Genetics
Classification: Uncertain significance for Hereditary cancer-predisposing syndrome. Last evaluated: 2022-11-23. Review status: criteria provided, single submitter. Criteria: Ambry Variant Classification Scheme 2023. Collection method: clinical testing. Allele origin: germline.
Comment: The p.R78I variant (also known as c.233G>T), located in coding exon 4 of the BRCA1 gene, results from a G to T substitution at nucleotide position 233. The arginine at codon 78 is replaced by isoleucine, an amino acid with similar properties. One functional study found that this nucleotide substitution is functional in a high throughput genome editing haploid cell survival assay (Findlay GM et al. Nature, 2018 10;562:217-222). This amino acid position is highly conserved in available vertebrate species. In addition, this alteration is predicted to be deleterious by in silico analysis. Since supporting evidence is limited at this time, the clinical significance of this alteration remains unclear.

Color Diagnostics, LLC DBA Color Health
Classification: Uncertain significance for Hereditary cancer-predisposing syndrome. Last evaluated: 2019-01-10. Review status: criteria provided, single submitter. Criteria: ACMG Guidelines, 2015. Collection method: clinical testing. Allele origin: germline.

Brotman Baty Institute, University of Washington
No classification provided (evidence only). Condition: Breast-ovarian cancer, familial 1. Review status: no classification provided. Collection method: in vitro. Allele origin: not applicable. Functional consequence: functionally_normal. Not counted in ClinVar's aggregate classification.
ClinVar note: "not provided" was previously submitted as the classification for the variant. However, the classification appeared to be based only on an observation of functional data so it was converted to no classification on 2025-07-30.

Literature cited by the submitters: PubMed 25085752 (cited by Myriad Genetics, Inc.); PubMed 39142283 (cited by Lupski Lab, Baylor-Hopkins CMG, Baylor College of Medicine); PubMed 34793697 (cited by Lupski Lab, Baylor-Hopkins CMG, Baylor College of Medicine); DOI 10.1101/2024.04.11.24305690 (cited by Lupski Lab, Baylor-Hopkins CMG, Baylor College of Medicine); PubMed 30209399 (cited by Ambry Genetics).

NM_007294.4(BRCA1):c.233G>T (p.Arg78Ile)

Gene: BRCA1 (BRCA1 DNA repair associated; minus strand). Cytogenetic location: 17q21.31.
Variant type: single nucleotide variant.
Coding change: c.233G>T on transcript NM_007294.4 (MANE Select); coding-DNA position 233, G replaced by T.
Protein change: p.Arg78Ile; replaces arginine 78 with isoleucine.
Molecular consequence: missense variant. On other transcripts: non-coding transcript variant (1).
Genome position (GRCh38, 1-based): chr17:43,104,936, C>A on the plus strand (G>T on the coding strand, the complement: BRCA1 is on the minus strand). VCF-style: chr17-43104936-C-A. GRCh37 (hg19) VCF-style: chr17-41256953-C-A.
Other names: c.233G>T, p.Arg78Ile (NM_001407641.1, NM_001407642.1, NM_001407644.1 and 168 more transcripts); c.155G>T, p.Arg52Ile (NM_001407653.1, NM_001407654.1, NM_001407655.1 and 21 more transcripts); c.92G>T, p.Arg31Ile (NM_001407692.1, NM_001407694.1, NM_001407695.1 and 99 more transcripts); c.23G>T, p.Arg8Ile (NM_001407853.1, NM_001407879.1, NM_001407881.1 and 58 more transcripts); c.-149G>T (NM_001407959.1, NM_001407960.1, NM_001407962.1 and 4 more transcripts); c.101G>T, p.Arg34Ile (NM_001408451.1); short protein forms R78I, R31I, R52I, R8I, R34I.
Identifiers: ClinVar variation 865587 (VCV000865587.10), dbSNP rs2054692582, ClinGen allele CA10601694.